The following is an entry in ClinVar:

NM_016373.4(WWOX):c.749C>G (p.Ser250Ter)

Gene: WWOX (WW domain containing oxidoreductase; plus strand). Cytogenetic location: 16q23.1.
Variant type: single nucleotide variant.
Coding change: c.749C>G on transcript NM_016373.4 (MANE Select); coding-DNA position 749, C replaced by G.
Protein change: p.Ser250Ter; replaces serine 250 with a stop codon.
Molecular consequence: nonsense.
Genome position (GRCh38, 1-based): chr16:78,425,013, C>G. VCF-style: chr16-78425013-C-G. GRCh37 (hg19) VCF-style: chr16-78458910-C-G.
Other names: c.410C>G, p.Ser137Ter (NM_001291997.2); short protein forms S250*, S137*.
Identifiers: ClinVar variation 284393 (VCV000284393.15), dbSNP rs368928190, ClinGen allele CA8183444.
Genomic context (GRCh38, chr16:78,425,013, plus strand): 5'-AAGTGAATCATCTGGGGCACTTCTACCTTGTCCAGCTCCTCCAGGATGTTTTGTGCCGCT[C>G]AGCTCCTGCCCGTGTCATTGTGGTCTCCTCAGAGTCCCATCGGTGGGTTTGAATTGCATA-3'

ClinVar aggregate classification (germline): Pathogenic. Review status: criteria provided, multiple submitters, no conflicts (2 of 4 stars). 5 submissions from 5 submitters: Pathogenic (5). Last evaluated 2024-09-20.

Conditions:
Autosomal recessive spinocerebellar ataxia 12. Also called: SPINOCEREBELLAR ATAXIA WITH MENTAL RETARDATION AND EPILEPSY. Identifiers: Orphanet 284282, MedGen C3280452, MONDO:0013687, OMIM 614322.
Developmental and epileptic encephalopathy, 1 (DEE1). Also called: OHTAHARA SYNDROME, X-LINKED; Epileptic encephalopathy, early infantile, 1; X-linked infantile spasms; West's syndrome; Tonic spasms with clustering, arrest of psychomotor development and hypsarrhythmia on EEG; X-Linked Infantile Spasm Syndrome. Identifiers: MedGen C3463992, MONDO:0010632, OMIM 308350. Disease mechanism: loss of function.
Inborn genetic diseases. Identifiers: MedGen C0950123, MeSH D030342.
Developmental and epileptic encephalopathy, 28 (DEE28). Also called: Epileptic encephalopathy, early infantile, 28. Identifiers: Orphanet 442835, MedGen C4015519, MONDO:0014533, OMIM 616211.

Allele frequency attached by ClinVar (database versions not stated): TOPMed 0.00002; gnomAD 0.00005 and 0.00006; ESP Exome Variant Server 0.00008.
gnomAD v4.1: 19 of 1,613,954 alleles (0.0012%); highest among the groups gnomAD compares: Non-Finnish European, 0.0015%; no homozygotes.

Submissions (5):

Kids Research, The Children's Hospital at Westmead
Classification: Pathogenic for Developmental and epileptic encephalopathy, 28. Last evaluated: 2024-09-20. Review status: criteria provided, single submitter. Criteria: ACMG Guidelines, 2015. Collection method: research. Allele origin: germline. Affected: yes.
Comment: PVS1, PM2, PM3

GeneDx
Classification: Pathogenic. Last evaluated: 2024-08-07. Review status: criteria provided, single submitter. Criteria: GeneDx Variant Classification Process June 2021. Collection method: clinical testing. Allele origin: germline. Affected: yes.
Comment: Nonsense variant predicted to result in protein truncation or nonsense mediated decay in a gene for which loss of function is a known mechanism of disease; Not observed at significant frequency in large population cohorts (gnomAD); Has not been previously published as pathogenic or benign germline variant to our knowledge; This variant is associated with the following publications: (PMID: 25411445, 24932569, 24456803)

Labcorp Genetics (formerly Invitae), Labcorp
Classification: Pathogenic for Developmental and epileptic encephalopathy, 1; Autosomal recessive spinocerebellar ataxia 12. Last evaluated: 2024-02-27. Review status: criteria provided, single submitter. Criteria: Invitae Variant Classification Sherloc (09022015). Collection method: clinical testing. Allele origin: germline.
Comment: This sequence change creates a premature translational stop signal (p.Ser250*) in the WWOX gene. It is expected to result in an absent or disrupted protein product. Loss-of-function variants in WWOX are known to be pathogenic (PMID: 24456803, 25411445). This variant is present in population databases (rs368928190, gnomAD 0.008%). This variant has not been reported in the literature in individuals affected with WWOX-related conditions. ClinVar contains an entry for this variant (Variation ID: 284393). For these reasons, this variant has been classified as Pathogenic.

Ambry Genetics
Classification: Pathogenic for Inborn genetic diseases. Last evaluated: 2021-01-13. Review status: criteria provided, single submitter. Criteria: Ambry Variant Classification Scheme 2023. Collection method: clinical testing. Allele origin: germline.
Comment: The c.749C>G (p.S250*) alteration, located in exon 7 (coding exon 7) of the WWOX gene, consists of a C to G substitution at nucleotide position 749. This alteration is expected to result in loss of function by premature protein truncation or nonsense-mediated mRNA decay. Based on the available evidence, this alteration is classified as pathogenic.

Eurofins Ntd Llc (ga)
Classification: Pathogenic. Last evaluated: 2015-11-10. Review status: criteria provided, single submitter. Criteria: EGL Classification Definitions 2015. Collection method: clinical testing. Allele origin: germline. Observed: 1 variant allele, 1 heterozygote.

Literature cited by the submitters: PubMed 24456803 (cited by Labcorp Genetics (formerly Invitae), Labcorp); PubMed 25411445 (cited by Labcorp Genetics (formerly Invitae), Labcorp).